The following continues an entry in ClinVar:

NM_007194.4(CHEK2):c.1217G>A (p.Arg406His)

Gene: CHEK2. ClinVar aggregate classification (germline): Conflicting classifications of pathogenicity. Uncertain significance (7); Likely benign (8).

Submissions 14 to 16 of 16:

Color Diagnostics, LLC DBA Color Health
Classification: Likely benign for Hereditary cancer-predisposing syndrome. Last evaluated: 2015-10-13. Review status: criteria provided, single submitter. Criteria: ACMG Guidelines, 2015. Collection method: clinical testing. Allele origin: germline.

Neuberg Centre For Genomic Medicine, NCGM
Classification: Uncertain significance for Bone osteosarcoma. Review status: criteria provided, single submitter. Criteria: ACMG Guidelines, 2015. Collection method: clinical testing. Allele origin: germline. Inheritance: Autosomal dominant inheritance. Affected: yes.
Comment: In view of high frequency in population and conflicting submission in database, additional functional studies will be required to prove the pathogenicity conclusisvely of this variant. For these reasons, this variant has been classified as Variant of Uncertain Significance (VUS).

Department of Pathology and Laboratory Medicine, Sinai Health System
Classification: Likely benign for Malignant tumor of breast. Review status: no assertion criteria provided. Collection method: clinical testing. Allele origin: unknown. Affected: yes. Observed: 1 variant allele. Study: The Canadian Open Genetics Repository (COGR). Not counted in ClinVar's aggregate classification.
Comment: The CHEK2 p.Arg406His variant was identified in 12 of 9230 proband chromosomes (frequency: 0.001) from individuals or families with breast or ovarian cancer, lynch syndrome and was present in 22 of 13146 control chromosomes (frequency: 0.002) from healthy individuals (Caminsky 2016, Novak 2008, Soumittra 2009, Tung 2016, Yurgelun 2015). The variant was also identified in dbSNP (ID: rs200649225) as "With Uncertain significance allele", ClinVar (classified as likely benign by Ambry Genetics and Invitae; as uncertain significance by GeneDx), Clinvitae, MutDB, and Zhejiang University databases. The variant was not identified in the Cosmic database. The variant was identified in control databases in 74 of 276652 chromosomes (1 homozygous) at a frequency of 0.0003 (Genome Aggregation Database Feb 27, 2017). It was observed in the following populations: African in 1 of 23964 chromosomes (freq: 0.00004), Latino in 3 of 34406 chromosomes (freq: 0.0001), European in 18 of 126232 chromosomes (freq: 0.0001), and South Asian in 52 of 30782 chromosomes (freq: 0.002); but not in the Other, Ashkenazi Jewish, East Asian, or Finnish populations. Yeast cells carrying the R406H variant grew at a rate similar to those carrying the wild type CHEK2, in In vitro complementation assay by Yilmaz (2014), and suggests the variant does not abrogate the function of CHEK2. The p.Arg406 residue is not conserved in mammals and computational analyses (PolyPhen-2, SIFT, AlignGVGD, BLOSUM, MutationTaster) provide inconsistent predictions regarding the impact to the protein; this information is not very predictive of pathogenicity. The variant occurs outside of the splicing consensus sequence and in silico or computational prediction software programs (SpliceSiteFinder, MaxEntScan, NNSPLICE, GeneSplicer, HumanSpliceFinder) do not predict a difference in splicing. In summary, based on the above information, the clinical significance of this variant cannot be determined with certainty at this time although we would lean towards a more benign role for this variant. This variant is classified as likely benign.

Literature cited by the submitters: PubMed 26898890 (cited by Quest Diagnostics Nichols Institute San Juan Capistrano and Ambry Genetics); PubMed 19656415 (cited by 3 submitters); PubMed 26976419 (cited by 3 submitters); PubMed 18706089 (cited by Quest Diagnostics Nichols Institute San Juan Capistrano and Ambry Genetics); PubMed 25980754 (cited by Quest Diagnostics Nichols Institute San Juan Capistrano and Women's Health and Genetics/Laboratory Corporation of America, LabCorp); PubMed 33471991 (cited by Quest Diagnostics Nichols Institute San Juan Capistrano); PubMed 25186627 (cited by Quest Diagnostics Nichols Institute San Juan Capistrano and Women's Health and Genetics/Laboratory Corporation of America, LabCorp); PubMed 31050813 (cited by Quest Diagnostics Nichols Institute San Juan Capistrano); PubMed 30851065 (cited by Quest Diagnostics Nichols Institute San Juan Capistrano and Women's Health and Genetics/Laboratory Corporation of America, LabCorp); PubMed 30303537 (cited by Quest Diagnostics Nichols Institute San Juan Capistrano and Women's Health and Genetics/Laboratory Corporation of America, LabCorp); PubMed 25085752 (cited by Myriad Genetics, Inc.).